The following is an entry in ClinVar:

NM_001148.6(ANK2):c.*2108C>T

Gene: ANK2 (ankyrin 2; plus strand). Cytogenetic location: 4q26.
Variant type: single nucleotide variant.
Coding change: c.*2108C>T on transcript NM_001148.6 (MANE Select); 2108 bases downstream of the stop codon, C replaced by T.
Molecular consequence: 3 prime UTR variant.
Genome position (GRCh38, 1-based): chr4:113,383,579, C>T. VCF-style: chr4-113383579-C-T. GRCh37 (hg19) VCF-style: chr4-114304735-C-T.
Other names: c.*2108C>T (NM_001127493.3, NM_001354225.2, NM_001354228.2 and 67 more transcripts); c.*1939C>T (NM_001386174.1, NM_001386175.1).
Identifiers: ClinVar variation 347368 (VCV000347368.5), dbSNP rs190513908, ClinGen allele CA10619976.

ClinVar aggregate classification (germline): Likely benign (1 of 4 stars; one submission).

Conditions:
Cardiac arrhythmia, ankyrin-B-related. Also called: ANKYRIN-B SYNDROME. Identifiers: Orphanet 101016, Orphanet 768, MedGen C1970119, MONDO:0010958, OMIM 600919.

Allele frequency attached by ClinVar (database versions not stated): 1000 Genomes Project 0.00080; 1000 Genomes Project 30x 0.00125; gnomAD 0.00138 and 0.00141; TOPMed 0.00147.

Submission:

Illumina Laboratory Services, Illumina
Classification: Likely benign for Cardiac arrhythmia, ankyrin-B-related. Last evaluated: 2018-01-13. Review status: criteria provided, single submitter. Criteria: ICSL Variant Classification Criteria 13 December 2019. Collection method: clinical testing. Allele origin: germline.
Comment: This variant was observed in the ICSL laboratory as part of a predisposition screen in an ostensibly healthy population. It had not been previously curated by ICSL or reported in the Human Gene Mutation Database (HGMD: prior to June 1st, 2018), and was therefore a candidate for classification through an automated scoring system. Utilizing variant allele frequency, disease prevalence and penetrance estimates, and inheritance mode, an automated score was calculated to assess if this variant is too frequent to cause the disease. Based on the score and internal cut-off values, a variant classified as likely benign is not then subjected to further curation. The score for this variant resulted in a classification of likely benign for this disease.